The following is an entry in ClinVar:

ClinVar aggregate classification (germline): Uncertain significance. Review status: criteria provided, multiple submitters, no conflicts (2 of 4 stars). 2 submissions from 2 submitters: Uncertain significance (2). Last evaluated 2024-08-18.

Conditions:
Progressive sclerosing poliodystrophy (MTDPS4A). Also called: ALPERS PROGRESSIVE INFANTILE POLIODYSTROPHY; NEURONAL DEGENERATION OF CHILDHOOD WITH LIVER DISEASE, PROGRESSIVE; Alpers Syndrome; ALPERS DIFFUSE DEGENERATION OF CEREBRAL GRAY MATTER WITH HEPATIC CIRRHOSIS; Alpers-Huttenlocher Syndrome; Mitochondrial DNA depletion syndrome 4A (Alpers type). Identifiers: Orphanet 726, MedGen C0205710, MONDO:0008758, OMIM 203700.

Submissions (2):

GeneDx
Classification: Uncertain significance. Last evaluated: 2024-08-18. Review status: criteria provided, single submitter. Criteria: GeneDx Variant Classification Process June 2021. Collection method: clinical testing. Allele origin: germline. Affected: yes.
Comment: Not observed at significant frequency in large population cohorts (gnomAD); In silico analysis indicates that this missense variant does not alter protein structure/function; Has not been previously published as pathogenic or benign to our knowledge

Labcorp Genetics (formerly Invitae), Labcorp
Classification: Uncertain significance for Progressive sclerosing poliodystrophy. Last evaluated: 2024-07-19. Review status: criteria provided, single submitter. Criteria: Invitae Variant Classification Sherloc (09022015). Collection method: clinical testing. Allele origin: germline.
Comment: This sequence change replaces alanine, which is neutral and non-polar, with valine, which is neutral and non-polar, at codon 703 of the POLG protein (p.Ala703Val). This variant is not present in population databases (gnomAD no frequency). This variant has not been reported in the literature in individuals affected with POLG-related conditions. Advanced modeling of protein sequence and biophysical properties (such as structural, functional, and spatial information, amino acid conservation, physicochemical variation, residue mobility, and thermodynamic stability) performed at Invitae indicates that this missense variant is not expected to disrupt POLG protein function with a negative predictive value of 95%. In summary, the available evidence is currently insufficient to determine the role of this variant in disease. Therefore, it has been classified as a Variant of Uncertain Significance.

NM_002693.3(POLG):c.2108C>T (p.Ala703Val)

Gene: POLG (DNA polymerase gamma, catalytic subunit; minus strand). Cytogenetic location: 15q26.1.
Variant type: single nucleotide variant.
Coding change: c.2108C>T on transcript NM_002693.3 (MANE Select); coding-DNA position 2108, C replaced by T.
Protein change: p.Ala703Val; replaces alanine 703 with valine.
Molecular consequence: missense variant.
Genome position (GRCh38, 1-based): chr15:89,323,864, G>A on the plus strand (C>T on the coding strand, the complement: POLG is on the minus strand). VCF-style: chr15-89323864-G-A. GRCh37 (hg19) VCF-style: chr15-89867095-G-A.
Other names: c.2108C>T, p.Ala703Val (NM_001126131.2); short protein forms A703V.
Identifiers: ClinVar variation 3671005 (VCV003671005.3).